The following is an entry in ClinVar:

ClinVar aggregate classification (germline): Uncertain significance (1 of 4 stars; one submission).

Submission:

Labcorp Genetics (formerly Invitae), Labcorp
Classification: Uncertain significance. Last evaluated: 2023-11-14. Review status: criteria provided, single submitter. Criteria: Invitae Variant Classification Sherloc (09022015). Collection method: clinical testing. Allele origin: unknown.
Comment: This variant is a gross deletion of the genomic region encompassing exon(s) 63 of the DNAH9 gene. This variant would be expected to be in-frame, preserving the integrity of the reading frame. This variant has not been reported in the literature in individuals affected with DNAH9-related conditions. Experimental studies and prediction algorithms are not available or were not evaluated, and the functional significance of this variant is currently unknown. In summary, the available evidence is currently insufficient to determine the role of this variant in disease. Therefore, it has been classified as a Variant of Uncertain Significance.

NC_000017.10:g.(?_11833163)_(11833430_?)del

Gene: DNAH9 (dynein axonemal heavy chain 9; plus strand). Cytogenetic location: 17p12.
Variant type: Deletion.
Identifiers: ClinVar variation 3243146 (VCV003243146.1).